The following is an entry in ClinVar:

NM_002860.4(ALDH18A1):c.1703A>T (p.Gln568Leu)

Gene: ALDH18A1 (aldehyde dehydrogenase 18 family member A1; minus strand). Cytogenetic location: 10q24.1.
Variant type: single nucleotide variant.
Coding change: c.1703A>T on transcript NM_002860.4 (MANE Select); coding-DNA position 1703, A replaced by T.
Protein change: p.Gln568Leu; replaces glutamine 568 with leucine.
Molecular consequence: missense variant.
Genome position (GRCh38, 1-based): chr10:95,614,064, T>A on the plus strand (A>T on the coding strand, the complement: ALDH18A1 is on the minus strand). VCF-style: chr10-95614064-T-A. GRCh37 (hg19) VCF-style: chr10-97373821-T-A.
Other names: c.1697A>T, p.Gln566Leu (NM_001017423.2, NM_001323415.2); c.1370A>T, p.Gln457Leu (NM_001323412.2, NM_001323416.2); c.1598A>T, p.Gln533Leu (NM_001323417.2); c.1364A>T, p.Gln455Leu (NM_001323418.2); c.1067A>T, p.Gln356Leu (NM_001323419.2); c.1703A>T, p.Gln568Leu (NM_001323413.2, NM_001323414.2); short protein forms Q455L, Q356L, Q566L, Q568L, Q457L, Q533L.
Identifiers: ClinVar variation 2951281 (VCV002951281.3), dbSNP rs370563590, ClinGen allele CA377700704.

ClinVar aggregate classification (germline): Uncertain significance (1 of 4 stars; one submission).

Conditions:
Cutis laxa, autosomal dominant 3 (ADCL3). Identifiers: Orphanet 90348, MedGen C4225268, MONDO:0014706, OMIM 616603.
Autosomal dominant spastic paraplegia type 9. Identifiers: MedGen C1832669, MONDO:0015091.
de Barsy syndrome. Also called: Cutis laxa-corneal clouding-oligophrenia syndrome. Identifiers: Orphanet 2962, MedGen C0268354, MONDO:0017569.

Submission:

Labcorp Genetics (formerly Invitae), Labcorp
Classification: Uncertain significance for Autosomal dominant spastic paraplegia type 9; de Barsy syndrome; Cutis laxa, autosomal dominant 3. Last evaluated: 2023-07-19. Review status: criteria provided, single submitter. Criteria: Invitae Variant Classification Sherloc (09022015). Collection method: clinical testing. Allele origin: germline.
Comment: In summary, the available evidence is currently insufficient to determine the role of this variant in disease. Therefore, it has been classified as a Variant of Uncertain Significance. Advanced modeling of protein sequence and biophysical properties (such as structural, functional, and spatial information, amino acid conservation, physicochemical variation, residue mobility, and thermodynamic stability) has been performed at Invitae for this missense variant, however the output from this modeling did not meet the statistical confidence thresholds required to predict the impact of this variant on ALDH18A1 protein function. This variant has not been reported in the literature in individuals affected with ALDH18A1-related conditions. This variant is not present in population databases (gnomAD no frequency). This sequence change replaces glutamine, which is neutral and polar, with leucine, which is neutral and non-polar, at codon 568 of the ALDH18A1 protein (p.Gln568Leu).